The following is an entry in ClinVar:

NM_004364.5(CEBPA):c.378G>C (p.Gly126=)

Gene: CEBPA (CCAAT enhancer binding protein alpha; minus strand). Cytogenetic location: 19q13.11.
Variant type: single nucleotide variant.
Coding change: c.378G>C on transcript NM_004364.5 (MANE Select); coding-DNA position 378, G replaced by C.
Protein change: p.Gly126=; no amino-acid change (glycine 126 retained).
Molecular consequence: synonymous variant.
Genome position (GRCh38, 1-based): chr19:33,302,037, C>G on the plus strand (G>C on the coding strand, the complement: CEBPA is on the minus strand). VCF-style: chr19-33302037-C-G. GRCh37 (hg19) VCF-style: chr19-33792943-C-G.
Other names: c.21G>C, p.Gly7= (NM_001285829.2); c.483G>C, p.Gly161= (NM_001287424.2); c.336G>C, p.Gly112= (NM_001287435.2).
Identifiers: ClinVar variation 3058469 (VCV003058469.3), dbSNP rs1967186909, ClinGen allele CA507007851.

ClinVar aggregate classification (germline): Likely benign. Review status: criteria provided, single submitter (1 of 4 stars). 2 submissions from 2 submitters: Likely benign (1). 1 of the submissions does not count toward it. Last evaluated 2025-02-02.

Conditions:
CEBPA-related disorder. Also called: CEBPA-related condition.
Inborn genetic diseases. Identifiers: MedGen C0950123, MeSH D030342.

Submissions (2):

Ambry Genetics
Classification: Likely benign for Inborn genetic diseases. Last evaluated: 2025-02-02. Review status: criteria provided, single submitter. Criteria: Ambry Variant Classification Scheme 2023. Collection method: clinical testing. Allele origin: germline.

PreventionGenetics, part of Exact Sciences
Classification: Likely benign for CEBPA-related condition. Last evaluated: 2022-02-23. Review status: no assertion criteria provided. Collection method: clinical testing. Allele origin: germline. Not counted in ClinVar's aggregate classification.
Comment: This variant is classified as likely benign based on ACMG/AMP sequence variant interpretation guidelines (Richards et al. 2015 PMID: 25741868, with internal and published modifications).